The following is an entry in ClinVar:

NM_000553.6(WRN):c.187T>C (p.Ser63Pro)

Gene: WRN (WRN RecQ like helicase; plus strand). Cytogenetic location: 8p12.
Variant type: single nucleotide variant.
Coding change: c.187T>C on transcript NM_000553.6 (MANE Select); coding-DNA position 187, T replaced by C.
Protein change: p.Ser63Pro; replaces serine 63 with proline.
Molecular consequence: missense variant.
Genome position (GRCh38, 1-based): chr8:31,059,243, T>C. VCF-style: chr8-31059243-T-C. GRCh37 (hg19) VCF-style: chr8-30916759-T-C.
Other names: short protein forms S63P.
Identifiers: ClinVar variation 528144 (VCV000528144.4), dbSNP rs1554518310, ClinGen allele CA370912675.

ClinVar aggregate classification (germline): Uncertain significance (1 of 4 stars; one submission).

Conditions:
Werner syndrome (WRN). Identifiers: Orphanet 902, MedGen C0043119, MONDO:0010196, OMIM 277700.

Submission:

Labcorp Genetics (formerly Invitae), Labcorp
Classification: Uncertain significance for Werner syndrome. Last evaluated: 2017-08-20. Review status: criteria provided, single submitter. Criteria: Invitae Variant Classification Sherloc (09022015). Collection method: clinical testing. Allele origin: germline.
Comment: In summary, the available evidence is currently insufficient to determine the role of this variant in disease. Therefore, it has been classified as a Variant of Uncertain Significance. Algorithms developed to predict the effect of missense changes on protein structure and function do not agree on the potential impact of this missense change (SIFT: "Deleterious"; PolyPhen-2: "Probably Damaging"; Align-GVGD: "Class C0"). This variant has not been reported in the literature in individuals with WRN-related disease. This variant is not present in population databases (ExAC no frequency). This sequence change replaces serine with proline at codon 63 of the WRN protein (p.Ser63Pro). The serine residue is moderately conserved and there is a moderate physicochemical difference between serine and proline.